The following is an entry in ClinVar:

NM_004544.4(NDUFA10):c.999+6365T>C

Gene: NDUFA10 (NADH:ubiquinone oxidoreductase subunit A10; minus strand). Cytogenetic location: 2q37.3.
Variant type: single nucleotide variant.
Coding change: c.999+6365T>C on transcript NM_004544.4 (MANE Select); 6365 bases into the intron after coding-DNA position 999, T replaced by C.
Molecular consequence: intron variant.
Genome position (GRCh38, 1-based): chr2:239,983,709, A>G on the plus strand (T>C on the coding strand, the complement: NDUFA10 is on the minus strand). VCF-style: chr2-239983709-A-G. GRCh37 (hg19) VCF-style: chr2-240923126-A-G.
Other names: c.890+21501T>C (NM_001322020.2); c.999+6365T>C (NM_001322019.2).
Identifiers: ClinVar variation 1675847 (VCV001675847.33), dbSNP rs545981322, ClinGen allele CA2200768.

ClinVar aggregate classification (germline): Likely benign (1 of 4 stars; one submission).

Allele frequency attached by ClinVar (database versions not stated): TOPMed 0.00020; gnomAD 0.00021; gnomAD exomes 0.00026 and 0.00036; ExAC 0.00040.
gnomAD v4.1: 545 of 1,568,544 alleles (0.035%); highest among the groups gnomAD compares: South Asian, 0.067%; 3 homozygotes.

Submission:

CeGaT Center for Human Genetics Tuebingen
Classification: Likely benign. Last evaluated: 2023-03-01. Review status: criteria provided, single submitter. Criteria: CeGaT Center For Human Genetics Tuebingen Variant Classification Criteria Version 2. Collection method: clinical testing. Allele origin: germline. Affected: yes. Observed: 2 variant alleles.
Comment: NDUFA10: BP4, BP7